The following is an entry in ClinVar:

NM_001394073.1(HS6ST2):c.1586G>A (p.Ser529Asn)

Gene: HS6ST2 (heparan sulfate 6-O-sulfotransferase 2; minus strand). Cytogenetic location: Xq26.2.
Variant type: single nucleotide variant.
Coding change: c.1586G>A on transcript NM_001394073.1 (MANE Select); coding-DNA position 1586, G replaced by A.
Protein change: p.Ser529Asn; replaces serine 529 with asparagine.
Molecular consequence: missense variant.
Genome position (GRCh38, 1-based): chrX:132,628,575, C>T on the plus strand (G>A on the coding strand, the complement: HS6ST2 is on the minus strand). VCF-style: chrX-132628575-C-T. GRCh37 (hg19) VCF-style: chrX-131762603-C-T.
Other names: c.1586G>A, p.Ser529Asn (NM_001077188.2); c.1466G>A, p.Ser489Asn (NM_001394074.1, NM_147175.4); short protein forms S489N, S529N.
Identifiers: ClinVar variation 4882379 (VCV004882379.2).

ClinVar aggregate classification (germline): Uncertain significance (1 of 4 stars; one submission).

Conditions:
Paganini-Miozzo syndrome. Also called: MENTAL RETARDATION, X-LINKED, SYNDROMIC, PAGANINI-MIOZZO TYPE. Identifiers: MedGen C5193010, MONDO:0026724, OMIM 301025.

Submission:

Dasa
Classification: Uncertain significance for Paganini-Miozzo syndrome. Last evaluated: 2026-01-25. Review status: criteria provided, single submitter. Criteria: DASA Assertion Criteria. Collection method: clinical testing. Allele origin: germline.
Comment: NM_001394073.1(HS6ST2):c.1586G>A (p.Ser529Asn) is a missense variant that results in the substitution of serine with asparagine. Published studies describe this variant in association with related phenotype (PMID: 36993824; PMID: 30471091; PMID: 40686562). Also, this variant is absent from population databases. The currently available literature and clinical evidence are not sufficient to establish a definitive association between this variant and the reported condition. Therefore, this variant is classified as a variant of uncertain significance.

Literature cited by the submitters: PubMed 36993824; PubMed 30471091; PubMed 40686562.